The following is an entry in ClinVar:

ClinVar aggregate classification (germline): Uncertain significance (1 of 4 stars; one submission).

Submission:

Center for Pediatric Genomic Medicine, Children's Mercy Hospital and Clinics
Classification: Uncertain significance. Last evaluated: 2015-02-11. Review status: criteria provided, single submitter. Criteria: ACMG Guidelines, 2015. Collection method: clinical testing. Allele origin: germline.
ClinVar note: Converted during submission from Uncertain Significance to Uncertain significance.

NC_000001.11:g.27603634T>C

Gene: AHDC1 (AT-hook DNA binding motif containing 1; minus strand). Cytogenetic location: 1p35.3.
Variant type: single nucleotide variant.
Genome position: GRCh38 VCF-style: chr1-27603634-T-C. GRCh37 (hg19) VCF-style: chr1-27930145-T-C.
Identifiers: ClinVar variation 235563 (VCV000235563.3), dbSNP rs878853068, ClinGen allele CA10581358.